The following is an entry in ClinVar:

ClinVar aggregate classification (germline): Uncertain significance (1 of 4 stars; one submission).

Submission:

Labcorp Genetics (formerly Invitae), Labcorp
Classification: Uncertain significance. Last evaluated: 2023-08-30. Review status: criteria provided, single submitter. Criteria: Invitae Variant Classification Sherloc (09022015). Collection method: clinical testing. Allele origin: germline.
Comment: In summary, the available evidence is currently insufficient to determine the role of this variant in disease. Therefore, it has been classified as a Variant of Uncertain Significance. Advanced modeling of protein sequence and biophysical properties (such as structural, functional, and spatial information, amino acid conservation, physicochemical variation, residue mobility, and thermodynamic stability) has been performed at Invitae for this missense variant, however the output from this modeling did not meet the statistical confidence thresholds required to predict the impact of this variant on KMT2E protein function. This variant has not been reported in the literature in individuals affected with KMT2E-related conditions. This variant is not present in population databases (gnomAD no frequency). This sequence change replaces proline, which is neutral and non-polar, with leucine, which is neutral and non-polar, at codon 640 of the KMT2E protein (p.Pro640Leu).

NM_182931.3(KMT2E):c.1919C>T (p.Pro640Leu)

Gene: KMT2E (lysine methyltransferase 2E (inactive); plus strand). Cytogenetic location: 7q22.3.
Variant type: single nucleotide variant.
Coding change: c.1919C>T on transcript NM_182931.3 (MANE Select); coding-DNA position 1919, C replaced by T.
Protein change: p.Pro640Leu; replaces proline 640 with leucine.
Molecular consequence: missense variant.
Genome position (GRCh38, 1-based): chr7:105,101,917, C>T. VCF-style: chr7-105101917-C-T. GRCh37 (hg19) VCF-style: chr7-104742364-C-T.
Other names: c.1919C>T, p.Pro640Leu (NM_001410908.1, NM_018682.4); short protein forms P640L.
Identifiers: ClinVar variation 2793523 (VCV002793523.3), dbSNP rs749563622, ClinGen allele CA368784609.